The following is an entry in ClinVar:

NM_001267550.2(TTN):c.75507_75508del (p.Ser25170fs)

Genes: TTN (titin; minus strand), TTN-AS1 (TTN antisense RNA 1; plus strand). Cytogenetic location: 2q31.2.
Variant type: Deletion.
Coding change: c.75507_75508del on transcript NM_001267550.2 (MANE Select); coding-DNA positions 75507 to 75508, 2 bases deleted (CA; older notation c.75507_75508delCA).
Protein change: p.Ser25170fs; shifts the reading frame from serine 25170.
Molecular consequence: frameshift variant.
Genome position (GRCh38, 1-based): chr2:178,570,624-178,570,625, TG deleted on the plus strand (CA on the coding strand, the reverse complement: TTN is on the minus strand). VCF-style (leftmost placement, unchanged base first): chr2-178570623-CTG-C. GRCh37 (hg19) VCF-style: chr2-179435350-CTG-C.
Other names: c.70584_70585del, p.Ser23529fs (NM_001256850.1); c.48312_48313del, p.Ser16105fs (NM_003319.4); c.67803_67804del, p.Ser22602fs (NM_133378.4); c.48687_48688del, p.Ser16230fs (NM_133432.3); c.48888_48889del, p.Ser16297fs (NM_133437.4); c.48312_48313delCA (NM_003319.4); short protein forms S23529fs, S25170fs, S16105fs, S22602fs, S16230fs, S16297fs.
Identifiers: ClinVar variation 1743434 (VCV001743434.2), dbSNP rs2468458306, ClinGen allele CA2580064622.

ClinVar aggregate classification (germline): Likely pathogenic (1 of 4 stars; one submission).

Conditions:
Cardiovascular phenotype. Identifiers: MedGen CN230736.

Allele frequency attached by ClinVar (database versions not stated): gnomAD exomes below 0.00001.

Submission:

Ambry Genetics
Classification: Likely pathogenic for Cardiovascular phenotype. Last evaluated: 2020-12-08. Review status: criteria provided, single submitter. Criteria: Ambry Variant Classification Scheme 2023. Collection method: clinical testing. Allele origin: germline.
Comment: The c.48312_48313delCA variant, located in coding exon 153 of the TTN gene, results from a deletion of two nucleotides at nucleotide positions 48312 to 48313, causing a translational frameshift with a predicted alternate stop codon (p.S16105Cfs*33). This exon is located in the A-band region of the N2-B isoform of the titin protein and is constitutively expressed in TTN transcripts (percent spliced in or PSI 100%). This variant was not reported in population-based cohorts in the Genome Aggregation Database (gnomAD). This alteration is expected to result in loss of function by premature protein truncation or nonsense-mediated mRNA decay. While truncating variants in TTN are present in 1-3% of the general population, truncating variants in the A-band are the most common cause of dilated cardiomyopathy (DCM) (Herman DS et al. N. Engl. J. Med., 2012 Feb;366:619-28; Roberts AM et al. Sci Transl Med, 2015 Jan;7:270ra6). TTN truncating variants encoded in constitutive exons (PSI >90%) have been found to be significantly associated with DCM regardless of their position in titin (Schafer S et al. Nat. Genet., 2017 01;49:46-53). As such, this alteration is classified as likely pathogenic.